The following is an entry in ClinVar:

ClinVar aggregate classification (germline): Conflicting classifications of pathogenicity. Review status: criteria provided, conflicting classifications (1 of 4 stars). 3 submissions from 3 submitters: Uncertain significance (1); Likely benign (2). Last evaluated 2024-10-25.

Conditions:
Spermatogenic failure 18. Identifiers: MedGen C4539783, MONDO:0054615, OMIM 617576.
Ciliary dyskinesia, primary, 37 (CILD37). Also called: CILIARY DYSKINESIA, PRIMARY, 37, WITH OR WITHOUT SITUS INVERSUS. Identifiers: MedGen C4539798, MONDO:0033204, OMIM 617577.

Allele frequency attached by ClinVar (database versions not stated): ESP Exome Variant Server 0.00008; ExAC 0.00012; gnomAD exomes 0.00012; gnomAD 0.00040 and 0.00044; TOPMed 0.00045.
gnomAD v4.1: 147 of 1,613,234 alleles (0.0091%); highest among the groups gnomAD compares: African/African-American, 0.15%; no homozygotes.

Submissions (3):

Labcorp Genetics (formerly Invitae), Labcorp
Classification: Uncertain significance for Ciliary dyskinesia, primary, 37; Spermatogenic failure 18. Last evaluated: 2024-10-25. Review status: criteria provided, single submitter. Criteria: Invitae Variant Classification Sherloc (09022015). Collection method: clinical testing. Allele origin: germline.
Comment: This sequence change replaces valine, which is neutral and non-polar, with methionine, which is neutral and non-polar, at codon 737 of the DNAH1 protein (p.Val737Met). This variant is present in population databases (rs368736791, gnomAD 0.2%). This variant has not been reported in the literature in individuals affected with DNAH1-related conditions. ClinVar contains an entry for this variant (Variation ID: 943496). An algorithm developed to predict the effect of missense changes on protein structure and function outputs the following: PolyPhen-2: "Benign". The methionine amino acid residue is found in multiple mammalian species, which suggests that this missense change does not adversely affect protein function. In summary, the available evidence is currently insufficient to determine the role of this variant in disease. Therefore, it has been classified as a Variant of Uncertain Significance.

Ambry Genetics
Classification: Likely benign. Last evaluated: 2024-10-19. Review status: criteria provided, single submitter. Criteria: Ambry Variant Classification Scheme 2023. Collection method: clinical testing. Allele origin: germline.

Blueprint Genetics
Classification: Likely benign. Last evaluated: 2023-12-05. Review status: criteria provided, single submitter. Criteria: ACMG Guidelines, 2015. Collection method: clinical testing. Allele origin: germline.

NM_015512.5(DNAH1):c.2209G>A (p.Val737Met)

Gene: DNAH1 (dynein axonemal heavy chain 1; plus strand). Cytogenetic location: 3p21.1.
Variant type: single nucleotide variant.
Coding change: c.2209G>A on transcript NM_015512.5 (MANE Select); coding-DNA position 2209, G replaced by A.
Protein change: p.Val737Met; replaces valine 737 with methionine.
Molecular consequence: missense variant.
Genome position (GRCh38, 1-based): chr3:52,348,990, G>A. VCF-style: chr3-52348990-G-A. GRCh37 (hg19) VCF-style: chr3-52383006-G-A.
Other names: short protein forms V737M.
Identifiers: ClinVar variation 943496 (VCV000943496.7), dbSNP rs368736791, ClinGen allele CA2433182.
Genomic context (GRCh38, chr3:52,348,990, plus strand): 5'-GAGTCCGTGGGCCTTCATGAGCCACTGGTGGAAGAGCTACGGGCCACCATTGCCAGTGCC[G>A]TGTCCAAGGCCATGATCCCACTGCAGGCCTACGCCAAGGAGTACCGAAAGTACCTGGAGC-3'
Protein context (NP_056327.4, residues 727-747): EELRATIASA[Val737Met]SKAMIPLQAY